The following is an entry in ClinVar:

ClinVar aggregate classification (germline): Benign (1 of 4 stars; one submission).

Conditions:
Parietal foramina 2 (PFM2). Identifiers: Orphanet 60015, MedGen C1865044, MONDO:0012309, OMIM 609597.

Allele frequency attached by ClinVar (database versions not stated): gnomAD 0.00739 and 0.00799; 1000 Genomes Project 30x 0.00750; 1000 Genomes Project 0.00799; TOPMed 0.00818.

Submission:

Illumina Laboratory Services, Illumina
Classification: Benign for Parietal foramina 2. Last evaluated: 2018-01-12. Review status: criteria provided, single submitter. Criteria: ICSL Variant Classification Criteria 13 December 2019. Collection method: clinical testing. Allele origin: germline.
Comment: This variant was observed in the ICSL laboratory as part of a predisposition screen in an ostensibly healthy population. It had not been previously curated by ICSL or reported in the Human Gene Mutation Database (HGMD: prior to June 1st, 2018), and was therefore a candidate for classification through an automated scoring system. Utilizing variant allele frequency, disease prevalence and penetrance estimates, and inheritance mode, an automated score was calculated to assess if this variant is too frequent to cause the disease. Based on the score and internal cut-off values, a variant classified as benign is not then subjected to further curation. The score for this variant resulted in a classification of benign for this disease.

NM_021926.4(ALX4):c.*1713G>C

Gene: ALX4 (ALX homeobox 4; minus strand). Cytogenetic location: 11p11.2.
Variant type: single nucleotide variant.
Coding change: c.*1713G>C on transcript NM_021926.4 (MANE Select); 1713 bases downstream of the stop codon, G replaced by C.
Molecular consequence: 3 prime UTR variant.
Genome position (GRCh38, 1-based): chr11:44,263,141, C>G on the plus strand (G>C on the coding strand, the complement: ALX4 is on the minus strand). VCF-style: chr11-44263141-C-G. GRCh37 (hg19) VCF-style: chr11-44284691-C-G.
Other names: c.*1713G>C (LRG_1256t1).
Identifiers: ClinVar variation 304650 (VCV000304650.5), dbSNP rs76845793, ClinGen allele CA10639096.